The following is an entry in ClinVar:

ClinVar aggregate classification (germline): Uncertain significance. Review status: criteria provided, multiple submitters, no conflicts (2 of 4 stars). 2 submissions from 2 submitters: Uncertain significance (2). Last evaluated 2022-01-07.

Allele frequency attached by ClinVar (database versions not stated): gnomAD 0.00017; TOPMed 0.00017; gnomAD exomes 0.00002; ExAC 0.00012.
gnomAD v4.1: 51 of 1,614,212 alleles (0.0032%); highest among the groups gnomAD compares: African/African-American, 0.064%; no homozygotes.

Submissions (2):

Labcorp Genetics (formerly Invitae), Labcorp
Classification: Uncertain significance. Last evaluated: 2022-01-07. Review status: criteria provided, single submitter. Criteria: Invitae Variant Classification Sherloc (09022015). Collection method: clinical testing. Allele origin: germline.
Comment: This sequence change replaces leucine, which is neutral and non-polar, with tryptophan, which is neutral and slightly polar, at codon 4 of the NDUFB9 protein (p.Leu4Trp). In summary, the available evidence is currently insufficient to determine the role of this variant in disease. Therefore, it has been classified as a Variant of Uncertain Significance. Algorithms developed to predict the effect of missense changes on protein structure and function (SIFT, PolyPhen-2, Align-GVGD) all suggest that this variant is likely to be tolerated. This variant has not been reported in the literature in individuals affected with NDUFB9-related conditions. This variant is present in population databases (rs753001361, gnomAD 0.08%), and has an allele count higher than expected for a pathogenic variant.

Ambry Genetics
Classification: Uncertain significance. Last evaluated: 2021-09-17. Review status: criteria provided, single submitter. Criteria: Ambry Variant Classification Scheme 2023. Collection method: clinical testing. Allele origin: germline.

NM_005005.3(NDUFB9):c.11T>G (p.Leu4Trp)

Gene: NDUFB9 (NADH:ubiquinone oxidoreductase subunit B9; plus strand). Cytogenetic location: 8q24.13.
Variant type: single nucleotide variant.
Coding change: c.11T>G on transcript NM_005005.3 (MANE Select); coding-DNA position 11, T replaced by G.
Protein change: p.Leu4Trp; replaces leucine 4 with tryptophan.
Molecular consequence: missense variant. On other transcripts: 5 prime UTR variant (2).
Genome position (GRCh38, 1-based): chr8:124,539,197, T>G. VCF-style: chr8-124539197-T-G. GRCh37 (hg19) VCF-style: chr8-125551438-T-G.
Other names: c.-123T>G (NM_001278645.2); c.-117T>G (NM_001278646.2); c.11T>G, p.Leu4Trp (NM_001311168.2); short protein forms L4W.
Identifiers: ClinVar variation 1928975 (VCV001928975.6), dbSNP rs753001361, ClinGen allele CA4871431.